The following is an entry in ClinVar:

NM_016180.5(SLC45A2):c.46C>G (p.Leu16Val)

Gene: SLC45A2 (solute carrier family 45 member 2; minus strand). Cytogenetic location: 5p13.2.
Variant type: single nucleotide variant.
Coding change: c.46C>G on transcript NM_016180.5 (MANE Select); coding-DNA position 46, C replaced by G.
Protein change: p.Leu16Val; replaces leucine 16 with valine.
Molecular consequence: missense variant.
Genome position (GRCh38, 1-based): chr5:33,984,538, G>C on the plus strand (C>G on the coding strand, the complement: SLC45A2 is on the minus strand). VCF-style: chr5-33984538-G-C. GRCh37 (hg19) VCF-style: chr5-33984643-G-C.
Other names: c.46C>G, p.Leu16Val (NM_001012509.4, NM_001297417.4); short protein forms L16V.
Identifiers: ClinVar variation 1394272 (VCV001394272.4), dbSNP rs1383808055, ClinGen allele CA359397937.

ClinVar aggregate classification (germline): Uncertain significance (1 of 4 stars; one submission).

Allele frequency attached by ClinVar (database versions not stated): gnomAD exomes below 0.00001.
gnomAD v4.1: 6 of 1,612,692 alleles (0.00037%); highest among the groups gnomAD compares: Admixed American, 0.0017%; no homozygotes.

Submission:

Labcorp Genetics (formerly Invitae), Labcorp
Classification: Uncertain significance. Last evaluated: 2021-12-22. Review status: criteria provided, single submitter. Criteria: Invitae Variant Classification Sherloc (09022015). Collection method: clinical testing. Allele origin: germline.
Comment: In summary, the available evidence is currently insufficient to determine the role of this variant in disease. Therefore, it has been classified as a Variant of Uncertain Significance. Algorithms developed to predict the effect of missense changes on protein structure and function (SIFT, PolyPhen-2, Align-GVGD) all suggest that this variant is likely to be tolerated. This variant has not been reported in the literature in individuals affected with SLC45A2-related conditions. This variant is present in population databases (no rsID available, gnomAD 0.003%). This sequence change replaces leucine, which is neutral and non-polar, with valine, which is neutral and non-polar, at codon 16 of the SLC45A2 protein (p.Leu16Val).